The following is an entry in ClinVar:

ClinVar aggregate classification (germline): Benign. Review status: criteria provided, multiple submitters, no conflicts (2 of 4 stars). 4 submissions from 4 submitters: Benign (4). Last evaluated 2026-02-01.

Allele frequency attached by ClinVar (database versions not stated): gnomAD exomes 0.01936 and 0.02377; ExAC 0.02064; 1000 Genomes Project 0.02117; 1000 Genomes Project 30x 0.02264; gnomAD 0.02621 and 0.02689; TOPMed 0.02745; ESP Exome Variant Server 0.02868.
gnomAD v4.1: 38,303 of 1,596,202 alleles (2.4%); highest among the groups gnomAD compares: African/African-American, 4.1%; 561 homozygotes.

Submissions (4):

Labcorp Genetics (formerly Invitae), Labcorp
Classification: Benign. Last evaluated: 2026-02-01. Review status: criteria provided, single submitter. Criteria: Invitae Variant Classification Sherloc (09022015). Collection method: clinical testing. Allele origin: germline.

Mayo Clinic Laboratories, Mayo Clinic
Classification: Benign. Last evaluated: 2024-11-25. Review status: criteria provided, single submitter. Criteria: ACMG Guidelines, 2015. Collection method: clinical testing. Allele origin: germline. Observed: 37 variant alleles.
Comment: BS1, BS2, BP4, BP7

Eurofins Ntd Llc (ga)
Classification: Benign. Last evaluated: 2017-04-11. Review status: criteria provided, single submitter. Criteria: EGL Classification Definitions 2015. Collection method: clinical testing. Allele origin: germline. Observed: 1 variant allele, 1 heterozygote.

Breakthrough Genomics
Classification: Benign. Review status: criteria provided, single submitter. Criteria: ACMG Guidelines, 2015. Collection method: not provided. Allele origin: germline. Inheritance: Autosomal recessive inheritance. Affected: yes.

NM_000452.3(SLC10A2):c.505C>T (p.Leu169=)

Gene: SLC10A2 (solute carrier family 10 member 2; minus strand). Cytogenetic location: 13q33.1.
Variant type: single nucleotide variant.
Coding change: c.505C>T on transcript NM_000452.3 (MANE Select); coding-DNA position 505, C replaced by T.
Protein change: p.Leu169=; no amino-acid change (leucine 169 retained).
Molecular consequence: synonymous variant.
Genome position (GRCh38, 1-based): chr13:103,052,700, G>A on the plus strand (C>T on the coding strand, the complement: SLC10A2 is on the minus strand). VCF-style: chr13-103052700-G-A. GRCh37 (hg19) VCF-style: chr13-103705050-G-A.
Other names: p.Leu169=.
Identifiers: ClinVar variation 501366 (VCV000501366.11), dbSNP rs41281678, ClinGen allele CA7042178.